The following is an entry in ClinVar:

NM_003400.4(XPO1):c.1575A>C (p.Leu525Phe)

Gene: XPO1 (exportin 1; minus strand). Cytogenetic location: 2p15.
Variant type: single nucleotide variant.
Coding change: c.1575A>C on transcript NM_003400.4 (MANE Select); coding-DNA position 1575, A replaced by C.
Protein change: p.Leu525Phe; replaces leucine 525 with phenylalanine.
Molecular consequence: missense variant.
Genome position (GRCh38, 1-based): chr2:61,492,473, T>G on the plus strand (A>C on the coding strand, the complement: XPO1 is on the minus strand). VCF-style: chr2-61492473-T-G. GRCh37 (hg19) VCF-style: chr2-61719608-T-G.
Other names: c.1575A>C, p.Leu525Phe (NM_001410799.1); short protein forms L525F.
Identifiers: ClinVar variation 4073399 (VCV004073399.1).

ClinVar aggregate classification (germline): Pathogenic (1 of 4 stars; one submission).

Conditions:
XPO1-associated Neurodevelopmental Disorder.

Submission:

Genome Diagnostics Laboratory, University Medical Center Utrecht
Classification: Pathogenic for XPO1-associated Neurodevelopmental Disorder. Last evaluated: 2025-07-21. Review status: criteria provided, single submitter. Criteria: ACMG Guidelines, 2015. Collection method: research. Allele origin: germline. Affected: yes.
Comment: ACMG/AMP (Richards et al, 2015): PS2, PM2, PP2, PP3